The following is an entry in ClinVar:

ClinVar aggregate classification (germline): Uncertain significance. Review status: criteria provided, single submitter (1 of 4 stars). 2 submissions from 2 submitters: Uncertain significance (1). 1 of the submissions does not count toward it. Last evaluated 2021-08-06.

Conditions:
Cardiomyopathy (CMYO). Also called: Cardiomyopathies. Identifiers: Orphanet 167848, MedGen C0878544, MONDO:0004994, HP:0001638. Inheritance: Various modes of inheritance.
Dystrophin deficiency.
Duchenne muscular dystrophy (DMD). Also called: MUSCULAR DYSTROPHY, PSEUDOHYPERTROPHIC PROGRESSIVE, DUCHENNE TYPE; Duchenne Muscular Dystrophy (DMD). Identifiers: Orphanet 98896, MedGen C0013264, MONDO:0010679, OMIM 310200.
Becker muscular dystrophy (BMD). Also called: Becker Muscular Dystrophy (BMD); MUSCULAR DYSTROPHY, PSEUDOHYPERTROPHIC PROGRESSIVE, BECKER TYPE. Identifiers: Orphanet 98895, MedGen C0917713, MONDO:0010311, OMIM 300376.

Allele frequency attached by ClinVar (database versions not stated): gnomAD 0.00001; gnomAD exomes 0.00001; ExAC 0.00002; 1000 Genomes Project 0.00026; 1000 Genomes Project 30x 0.00042.
gnomAD v4.1: 1 of 1,207,402 alleles (0.000083%); highest among the groups gnomAD compares: African/African-American, 0.0018%; no homozygotes.

Submissions (2):

Labcorp Genetics (formerly Invitae), Labcorp
Classification: Uncertain significance for Duchenne muscular dystrophy. Last evaluated: 2021-08-06. Review status: criteria provided, single submitter. Criteria: Invitae Variant Classification Sherloc (09022015). Collection method: clinical testing. Allele origin: germline.
Comment: In summary, the available evidence is currently insufficient to determine the role of this variant in disease. Therefore, it has been classified as a Variant of Uncertain Significance. Algorithms developed to predict the effect of missense changes on protein structure and function are either unavailable or do not agree on the potential impact of this missense change (SIFT: "Deleterious"; PolyPhen-2: "Possibly Damaging"; Align-GVGD: "Class C0"). This variant has not been reported in the literature in individuals with DMD-related conditions. This variant is present in population databases (rs777614188, ExAC 0.01%). This sequence change replaces leucine with isoleucine at codon 1541 of the DMD protein (p.Leu1541Ile). The leucine residue is highly conserved and there is a small physicochemical difference between leucine and isoleucine.

Natera, Inc.
Classification: Uncertain significance for Becker muscular dystrophy; Cardiomyopathy; Duchenne muscular dystrophy; Dystrophin deficiency. Last evaluated: 2020-04-15. Review status: no assertion criteria provided. Collection method: clinical testing. Allele origin: germline. Not counted in ClinVar's aggregate classification.

NM_004006.3(DMD):c.4621C>A (p.Leu1541Ile)

Gene: DMD (dystrophin; minus strand). Cytogenetic location: Xp21.1.
Variant type: single nucleotide variant.
Coding change: c.4621C>A on transcript NM_004006.3 (MANE Select); coding-DNA position 4621, C replaced by A.
Protein change: p.Leu1541Ile; replaces leucine 1541 with isoleucine.
Molecular consequence: missense variant.
Genome position (GRCh38, 1-based): chrX:32,386,363, G>T on the plus strand (C>A on the coding strand, the complement: DMD is on the minus strand). VCF-style: chrX-32386363-G-T. GRCh37 (hg19) VCF-style: chrX-32404480-G-T.
Other names: c.4597C>A, p.Leu1533Ile (NM_000109.4); c.4609C>A, p.Leu1537Ile (NM_004009.3); c.4252C>A, p.Leu1418Ile (NM_004010.3); c.598C>A, p.Leu200Ile (NM_004011.4); c.589C>A, p.Leu197Ile (NM_004012.4); short protein forms L1418I, L1533I, L1537I, L1541I, L197I, L200I.
Identifiers: ClinVar variation 1054890 (VCV001054890.10), dbSNP rs777614188, ClinGen allele CA10378910.